The following is an entry in ClinVar:

NM_033343.4(LHX4):c.809C>G (p.Thr270Ser)

Genes: ACBD6 (acyl-CoA binding domain containing 6; minus strand), LHX4 (LIM homeobox 4; plus strand), LHX4-AS1 (LHX4 antisense RNA 1; minus strand). Cytogenetic location: 1q25.2.
Variant type: single nucleotide variant.
Coding change: c.809C>G on transcript NM_033343.4 (MANE Select); coding-DNA position 809, C replaced by G.
Protein change: p.Thr270Ser; replaces threonine 270 with serine.
Molecular consequence: missense variant.
Genome position (GRCh38, 1-based): chr1:180,274,215, C>G. VCF-style: chr1-180274215-C-G. GRCh37 (hg19) VCF-style: chr1-180243350-C-G.
Other names: short protein forms T270S.
Identifiers: ClinVar variation 4881639 (VCV004881639.2).

ClinVar aggregate classification (germline): Uncertain significance (1 of 4 stars; one submission).

Conditions:
Short stature-pituitary and cerebellar defects-small sella turcica syndrome (CPHD4). Also called: Pituitary hormone deficiency, combined with or without cerebellar defects; Short stature, pituitary and cerebellar defects and small sella turcica. Identifiers: Orphanet 85442, MedGen C2678408, MONDO:0009880, OMIM 262700.

Submission:

Dasa
Classification: Uncertain significance for Short stature-pituitary and cerebellar defects-small sella turcica syndrome. Last evaluated: 2025-09-25. Review status: criteria provided, single submitter. Criteria: DASA Assertion Criteria. Collection method: clinical testing. Allele origin: germline.
Comment: NM_033343.4(LHX4):c.809C>G (p.Thr270Ser) is a missense variant that results in the substitution of threonine with serine. This variant is absent from population databases. The currently available literature and clinical evidence are not sufficient to establish a definitive association between this variant and the reported condition. Therefore, this variant is classified as a variant of uncertain significance.